The following is an entry in ClinVar:

NM_017780.4(CHD7):c.587G>A (p.Gly196Glu)

Gene: CHD7 (chromodomain helicase DNA binding protein 7; plus strand). Cytogenetic location: 8q12.2.
Variant type: single nucleotide variant.
Coding change: c.587G>A on transcript NM_017780.4 (MANE Select); coding-DNA position 587, G replaced by A.
Protein change: p.Gly196Glu; replaces glycine 196 with glutamic acid.
Molecular consequence: missense variant.
Genome position (GRCh38, 1-based): chr8:60,742,019, G>A. VCF-style: chr8-60742019-G-A. GRCh37 (hg19) VCF-style: chr8-61654578-G-A.
Other names: c.587G>A, p.Gly196Glu (NM_001316690.1); short protein forms G196E.
Identifiers: ClinVar variation 3718372 (VCV003718372.2).

ClinVar aggregate classification (germline): Uncertain significance (1 of 4 stars; one submission).

Conditions:
CHARGE syndrome (CHARGE). Also called: Hittner Hirsch Kreh syndrome; CHARGE ASSOCIATION--COLOBOMA, HEART ANOMALY, CHOANAL ATRESIA, RETARDATION, GENITAL AND EAR ANOMALIES; Coloboma, heart anomaly, choanal atresia, retardation, genital and ear anomalies; CHARGE association; Hall-Hittner syndrome. Identifiers: Orphanet 138, MedGen C0265354, MONDO:0008965.

Submission:

Labcorp Genetics (formerly Invitae), Labcorp
Classification: Uncertain significance for CHARGE syndrome. Last evaluated: 2024-11-27. Review status: criteria provided, single submitter. Criteria: Invitae Variant Classification Sherloc (09022015). Collection method: clinical testing. Allele origin: germline.
Comment: This sequence change replaces glycine, which is neutral and non-polar, with glutamic acid, which is acidic and polar, at codon 196 of the CHD7 protein (p.Gly196Glu). This variant is not present in population databases (gnomAD no frequency). This variant has not been reported in the literature in individuals affected with CHD7-related conditions. Invitae Evidence Modeling of protein sequence and biophysical properties (such as structural, functional, and spatial information, amino acid conservation, physicochemical variation, residue mobility, and thermodynamic stability) indicates that this missense variant is not expected to disrupt CHD7 protein function with a negative predictive value of 95%. In summary, the available evidence is currently insufficient to determine the role of this variant in disease. Therefore, it has been classified as a Variant of Uncertain Significance.